The following is an entry in ClinVar:

ClinVar aggregate classification (germline): Benign/Likely benign. Review status: criteria provided, multiple submitters, no conflicts (2 of 4 stars). 5 submissions from 5 submitters: Benign (1); Likely benign (4). Last evaluated 2026-02-01.

Conditions:
Tumoral calcinosis, hyperphosphatemic, familial, 2. Identifiers: MedGen C4693863, MONDO:0060714, OMIM 617993.
Autosomal dominant hypophosphatemic rickets (ADHR). Also called: VITAMIN D-RESISTANT RICKETS, AUTOSOMAL DOMINANT; HYPOPHOSPHATEMIA, AUTOSOMAL DOMINANT. Identifiers: Orphanet 89937, MedGen C0342642, MONDO:0008660, OMIM 193100.

Allele frequency attached by ClinVar (database versions not stated): gnomAD exomes 0.00005 and 0.00014; 1000 Genomes Project 30x 0.00016; ExAC 0.00017; 1000 Genomes Project 0.00020; gnomAD 0.00048; TOPMed 0.00066; ESP Exome Variant Server 0.00069.

Submissions (5):

Labcorp Genetics (formerly Invitae), Labcorp
Classification: Likely benign. Last evaluated: 2026-02-01. Review status: criteria provided, single submitter. Criteria: Invitae Variant Classification Sherloc (09022015). Collection method: clinical testing. Allele origin: germline.

Mayo Clinic Laboratories, Mayo Clinic
Classification: Likely benign. Last evaluated: 2025-04-21. Review status: criteria provided, single submitter. Criteria: ACMG Guidelines, 2015. Collection method: clinical testing. Allele origin: germline. Observed: 1 variant allele.
Comment: BP4, BP7

Women's Health and Genetics/Laboratory Corporation of America, LabCorp
Classification: Benign. Last evaluated: 2024-12-06. Review status: criteria provided, single submitter. Criteria: LabCorp Variant Classification Summary - May 2015. Collection method: clinical testing. Allele origin: germline.

Fulgent Genetics
Classification: Likely benign for Autosomal dominant hypophosphatemic rickets; Tumoral calcinosis, hyperphosphatemic, familial, 2. Last evaluated: 2021-08-11. Review status: criteria provided, single submitter. Criteria: ACMG Guidelines, 2015. Collection method: clinical testing. Allele origin: unknown.

GeneDx
Classification: Likely benign. Last evaluated: 2019-09-20. Review status: criteria provided, single submitter. Criteria: GeneDx Variant Classification Process June 2021. Collection method: clinical testing. Allele origin: germline. Affected: yes.
Comment: See Variant Classification Assertion Criteria.

NM_020638.3(FGF23):c.342G>A (p.Arg114=)

Gene: FGF23 (fibroblast growth factor 23; minus strand). Cytogenetic location: 12p13.32.
Variant type: single nucleotide variant.
Coding change: c.342G>A on transcript NM_020638.3 (MANE Select); coding-DNA position 342, G replaced by A.
Protein change: p.Arg114=; no amino-acid change (arginine 114 retained).
Molecular consequence: synonymous variant.
Genome position (GRCh38, 1-based): chr12:4,370,757, C>T on the plus strand (G>A on the coding strand, the complement: FGF23 is on the minus strand). VCF-style: chr12-4370757-C-T. GRCh37 (hg19) VCF-style: chr12-4479923-C-T.
Other names: p.Arg114=.
Identifiers: ClinVar variation 749824 (VCV000749824.13), dbSNP rs138972495, ClinGen allele CA6395699.
Genomic context (GRCh38, chr12:4,370,757, plus strand): 5'-GAAGTGATACTGAGGAGAGTGGTAGACGTCGTACCCGTTTTCCAGCGTCTGGTGTTGGAA[C>T]CTGCAGTTCTCCGGGTCGAAATAGTGCTGGAAGGACAAGAGCGAACCACGTGAAGGCTGG-3'
Protein context (NP_065689.1, residues 104-124): GSHYFDPENC[Arg114=]FQHQTLENGY